The following is an entry in ClinVar:

ClinVar aggregate classification (germline): Uncertain significance (1 of 4 stars; one submission).

Submission:

Labcorp Genetics (formerly Invitae), Labcorp
Classification: Uncertain significance. Last evaluated: 2022-08-16. Review status: criteria provided, single submitter. Criteria: Invitae Variant Classification Sherloc (09022015). Collection method: clinical testing. Allele origin: germline.
Comment: This variant results in a copy number gain of the genomic region encompassing exon(s) 1-4 of the ZSWIM6 gene. This region includes the initiator codon of the gene. This copy number gain extends beyond the assayed region for this gene and therefore may encompass additional genes. As the precise location of this event is unknown, it may be in tandem or it may be located elsewhere in the genome. This variant has not been reported in the literature in individuals affected with ZSWIM6-related conditions. Experimental studies and prediction algorithms are not available or were not evaluated, and the functional significance of this variant is currently unknown. In summary, the available evidence is currently insufficient to determine the role of this variant in disease. Therefore, it has been classified as a Variant of Uncertain Significance.

NC_000005.9:g.(?_60170442)_(60790257_?)dup

Genes: ERCC8 (ERCC excision repair 8, CSA ubiquitin ligase complex subunit; minus strand), NDUFAF2 (NADH:ubiquinone oxidoreductase complex assembly factor 2; plus strand), SMIM15 (small integral membrane protein 15; minus strand), ZSWIM6 (zinc finger SWIM-type containing 6; plus strand). Cytogenetic location: 5q12.1.
Variant type: Duplication.
Identifiers: ClinVar variation 1448062 (VCV001448062.4).